The following is an entry in ClinVar:

ClinVar aggregate classification (germline): Uncertain significance (1 of 4 stars; one submission).

Conditions:
Familial cancer of breast. Also called: hereditary breast carcinoma; BREAST CANCER, FAMILIAL; Hereditary breast cancer. Identifiers: Orphanet 227535, MedGen C0346153, MONDO:0016419, OMIM 114480. Disease mechanism: loss of function.
Fanconi anemia complementation group J. Also called: BRIP1-Related Fanconi Anemia. Identifiers: Orphanet 84, MedGen C1836860, MONDO:0012187, OMIM 609054.

Submission:

Labcorp Genetics (formerly Invitae), Labcorp
Classification: Uncertain significance for Familial cancer of breast; Fanconi anemia complementation group J. Last evaluated: 2021-08-23. Review status: criteria provided, single submitter. Criteria: Invitae Variant Classification Sherloc (09022015). Collection method: clinical testing. Allele origin: germline.
Comment: This sequence change replaces glutamine with glutamic acid at codon 645 of the BRIP1 protein (p.Gln645Glu). The glutamine residue is highly conserved and there is a small physicochemical difference between glutamine and glutamic acid. This variant is not present in population databases (ExAC no frequency). This variant has not been reported in the literature in individuals affected with BRIP1-related conditions. Algorithms developed to predict the effect of missense changes on protein structure and function are either unavailable or do not agree on the potential impact of this missense change (SIFT: "Tolerated"; PolyPhen-2: "Probably Damaging"; Align-GVGD: "Class C0"). Algorithms developed to predict the effect of sequence changes on RNA splicing suggest that this variant may create or strengthen a splice site. In summary, the available evidence is currently insufficient to determine the role of this variant in disease. Therefore, it has been classified as a Variant of Uncertain Significance.

NM_032043.3(BRIP1):c.1933C>G (p.Gln645Glu)

Gene: BRIP1 (BRCA1 interacting DNA helicase 1; minus strand). Cytogenetic location: 17q23.2.
Variant type: single nucleotide variant.
Coding change: c.1933C>G on transcript NM_032043.3 (MANE Select); coding-DNA position 1933, C replaced by G.
Protein change: p.Gln645Glu; replaces glutamine 645 with glutamic acid.
Molecular consequence: missense variant.
Genome position (GRCh38, 1-based): chr17:61,780,263, G>C on the plus strand (C>G on the coding strand, the complement: BRIP1 is on the minus strand). VCF-style: chr17-61780263-G-C. GRCh37 (hg19) VCF-style: chr17-59857624-G-C.
Other names: short protein forms Q645E.
Identifiers: ClinVar variation 1413095 (VCV001413095.7), dbSNP rs2145074343, ClinGen allele CA400479155.